The following is an entry in ClinVar:

ClinVar aggregate classification (germline): Likely benign (1 of 4 stars; one submission).

gnomAD v4.1: 252 of 1,552,376 alleles (0.016%); highest among the groups gnomAD compares: East Asian, 0.57%; 1 homozygote.

Submission:

CeGaT Center for Human Genetics Tuebingen
Classification: Likely benign. Last evaluated: 2026-07-01. Review status: criteria provided, single submitter. Criteria: CeGaT Center For Human Genetics Tuebingen Variant Classification Criteria Version 2. Collection method: clinical testing. Allele origin: germline. Affected: yes. Observed: 1 variant allele.
Comment: SHANK2: BP4, BS1

NM_012309.5(SHANK2):c.2198-6C>T

Gene: SHANK2 (SH3 and multiple ankyrin repeat domains 2; minus strand). Cytogenetic location: 11q13.4.
Variant type: single nucleotide variant.
Coding change: c.2198-6C>T on transcript NM_012309.5 (MANE Select); 6 bases into the intron before coding-DNA position 2198, C replaced by T.
Molecular consequence: intron variant.
Genome position (GRCh38, 1-based): chr11:70,502,292, G>A on the plus strand (C>T on the coding strand, the complement: SHANK2 is on the minus strand). VCF-style: chr11-70502292-G-A. GRCh37 (hg19) VCF-style: chr11-70348397-G-A.
Other names: c.2198-6C>T (NM_001441030.1, NM_001441032.1, NM_001441037.1 and 11 more transcripts); c.2126-6C>T (NM_001441038.1); c.2369-6C>T (NM_001441024.1); c.1061-6C>T (NM_001441041.1, NM_001441040.1, NM_001379226.1); c.433+504C>T (NM_001441047.1); c.434-6C>T (NM_001441046.1, NM_001441045.1, NM_001441044.1 and 3 more transcripts).
Identifiers: ClinVar variation 5038521 (VCV005038521.1).